The following is an entry in ClinVar:

ClinVar aggregate classification (germline): Uncertain significance (1 of 4 stars; one submission).

Conditions:
Mast syndrome. Also called: SPASTIC PARAPLEGIA 21, AUTOSOMAL RECESSIVE. Identifiers: Orphanet 101001, MedGen C1855346, MONDO:0009568, OMIM 248900.

Allele frequency attached by ClinVar (database versions not stated): gnomAD 0.00001; ExAC 0.00002; gnomAD exomes 0.00002; TOPMed 0.00003.
gnomAD v4.1: 25 of 1,613,998 alleles (0.0015%); highest among the groups gnomAD compares: East Asian, 0.016%; no homozygotes.

Submission:

Labcorp Genetics (formerly Invitae), Labcorp
Classification: Uncertain significance for Mast syndrome. Last evaluated: 2022-06-08. Review status: criteria provided, single submitter. Criteria: Invitae Variant Classification Sherloc (09022015). Collection method: clinical testing. Allele origin: germline.
Comment: In summary, the available evidence is currently insufficient to determine the role of this variant in disease. Therefore, it has been classified as a Variant of Uncertain Significance. Algorithms developed to predict the effect of missense changes on protein structure and function are either unavailable or do not agree on the potential impact of this missense change (SIFT: "Deleterious"; PolyPhen-2: "Benign"; Align-GVGD: "Class C55"). This variant has not been reported in the literature in individuals affected with SPG21-related conditions. This variant is present in population databases (rs749945579, gnomAD 0.005%). This sequence change replaces alanine, which is neutral and non-polar, with threonine, which is neutral and polar, at codon 282 of the SPG21 protein (p.Ala282Thr).

NM_016630.7(SPG21):c.844G>A (p.Ala282Thr)

Gene: SPG21 (SPG21 abhydrolase domain containing, maspardin; minus strand). Cytogenetic location: 15q22.31.
Variant type: single nucleotide variant.
Coding change: c.844G>A on transcript NM_016630.7 (MANE Select); coding-DNA position 844, G replaced by A.
Protein change: p.Ala282Thr; replaces alanine 282 with threonine.
Molecular consequence: missense variant.
Genome position (GRCh38, 1-based): chr15:64,963,703, C>T on the plus strand (G>A on the coding strand, the complement: SPG21 is on the minus strand). VCF-style: chr15-64963703-C-T. GRCh37 (hg19) VCF-style: chr15-65256044-C-T.
Other names: c.844G>A, p.Ala282Thr (NM_001127889.5); c.763G>A, p.Ala255Thr (NM_001127890.5); short protein forms A255T, A282T.
Identifiers: ClinVar variation 2049107 (VCV002049107.4), dbSNP rs749945579, ClinGen allele CA7612857.